The following is an entry in ClinVar:

ClinVar aggregate classification (germline): Uncertain significance (1 of 4 stars; one submission).

Conditions:
RYR1-related disorder. Also called: RYR1-related disorders; RYR1-related condition. Identifiers: MedGen CN239331.

Allele frequency attached by ClinVar (database versions not stated): TOPMed below 0.00001.

Submission:

Labcorp Genetics (formerly Invitae), Labcorp
Classification: Uncertain significance for RYR1-related disorder. Last evaluated: 2021-08-27. Review status: criteria provided, single submitter. Criteria: Invitae Variant Classification Sherloc (09022015). Collection method: clinical testing. Allele origin: germline.
Comment: This sequence change replaces cysteine with tyrosine at codon 1039 of the RYR1 protein (p.Cys1039Tyr). The cysteine residue is highly conserved and there is a large physicochemical difference between cysteine and tyrosine. This variant is not present in population databases (ExAC no frequency). This variant has not been reported in the literature in individuals affected with RYR1-related conditions. Algorithms developed to predict the effect of missense changes on protein structure and function are either unavailable or do not agree on the potential impact of this missense change (SIFT: "Deleterious"; PolyPhen-2: "Benign"; Align-GVGD: "Class C0"). In summary, the available evidence is currently insufficient to determine the role of this variant in disease. Therefore, it has been classified as a Variant of Uncertain Significance.

NM_000540.3(RYR1):c.3116G>A (p.Cys1039Tyr)

Gene: RYR1 (ryanodine receptor 1; plus strand). Cytogenetic location: 19q13.2.
Variant type: single nucleotide variant.
Coding change: c.3116G>A on transcript NM_000540.3 (MANE Select); coding-DNA position 3116, G replaced by A.
Protein change: p.Cys1039Tyr; replaces cysteine 1039 with tyrosine.
Molecular consequence: missense variant.
Genome position (GRCh38, 1-based): chr19:38,466,336, G>A. VCF-style: chr19-38466336-G-A. GRCh37 (hg19) VCF-style: chr19-38956976-G-A.
Other names: c.3116G>A, p.Cys1039Tyr (NM_001042723.2); short protein forms C1039Y.
Identifiers: ClinVar variation 659097 (VCV000659097.6), dbSNP rs1396808794, ClinGen allele CA405635633.